The following is an entry in ClinVar:

NM_014927.5(CNKSR2):c.114del (p.Ile39fs)

Gene: CNKSR2 (connector enhancer of kinase suppressor of Ras 2; plus strand). Cytogenetic location: Xp22.12.
Variant type: Deletion.
Coding change: c.114del on transcript NM_014927.5 (MANE Select); coding-DNA position 114, one base deleted (G; older notation c.114delG).
Protein change: p.Ile39fs; shifts the reading frame from isoleucine 39.
Molecular consequence: frameshift variant.
Genome position (GRCh38, 1-based): chrX:21,426,546, G deleted. VCF-style (leftmost placement, unchanged base first): chrX-21426545-AG-A. GRCh37 (hg19) VCF-style: chrX-21444663-AG-A.
Other names: c.114del, p.Ile39fs (NM_001168647.3, NM_001168648.3, NM_001168649.3 and 4 more transcripts); short protein forms I39fs.
Identifiers: ClinVar variation 280521 (VCV000280521.2), dbSNP rs886041712, ClinGen allele CA10603620.

ClinVar aggregate classification (germline): Pathogenic (1 of 4 stars; one submission).

Submission:

GeneDx
Classification: Pathogenic. Last evaluated: 2016-04-20. Review status: criteria provided, single submitter. Criteria: GeneDx Variant Classification (06012015). Collection method: clinical testing. Allele origin: germline. Affected: yes.
Comment: The c.114delG pathogenic variant in the CNKSR2 gene has not been reported previously as a pathogenic variant nor as a benign variant, to our knowledge. The c.114delG variant causes a frameshift starting with codon Isoleucine 39, changes this amino acid to a Serine residue, and creates a premature Stop codon at position 14 of the new reading frame, denoted p.Ile39SerfsX14. This variant is predicted to cause loss of normal protein function either through protein truncation or nonsense-mediated mRNA decay. The c.114delG variant was not observed in approximately 6,500 individuals of European and African American ancestry in the NHLBI Exome Sequencing Project, indicating it is not a common benign variant in these populations. We interpret c.114delG as a pathogenic variant.